The following is an entry in ClinVar:

NM_006016.6(CD164):c.113C>T (p.Pro38Leu)

Gene: CD164 (CD164 molecule; minus strand). Cytogenetic location: 6q21.
Variant type: single nucleotide variant.
Coding change: c.113C>T on transcript NM_006016.6 (MANE Select); coding-DNA position 113, C replaced by T.
Protein change: p.Pro38Leu; replaces proline 38 with leucine.
Molecular consequence: missense variant.
Genome position (GRCh38, 1-based): chr6:109,382,266, G>A on the plus strand (C>T on the coding strand, the complement: CD164 is on the minus strand). VCF-style: chr6-109382266-G-A. GRCh37 (hg19) VCF-style: chr6-109703469-G-A.
Other names: c.113C>T, p.Pro38Leu (NM_001142401.3, NM_001142402.3, NM_001142403.3 and 1 more transcripts); short protein forms P38L.
Identifiers: ClinVar variation 1475048 (VCV001475048.7), dbSNP rs2115177023, ClinGen allele CA365200444.

ClinVar aggregate classification (germline): Uncertain significance. Review status: criteria provided, multiple submitters, no conflicts (2 of 4 stars). 2 submissions from 2 submitters: Uncertain significance (2). Last evaluated 2021-09-05.

Allele frequency attached by ClinVar (database versions not stated): gnomAD exomes below 0.00001.
gnomAD v4.1: 3 of 1,590,096 alleles (0.00019%); highest among the groups gnomAD compares: Non-Finnish European, 0.00026%; no homozygotes.

Submissions (2):

Labcorp Genetics (formerly Invitae), Labcorp
Classification: Uncertain significance. Last evaluated: 2021-09-05. Review status: criteria provided, single submitter. Criteria: Invitae Variant Classification Sherloc (09022015). Collection method: clinical testing. Allele origin: germline.
Comment: In summary, the available evidence is currently insufficient to determine the role of this variant in disease. Therefore, it has been classified as a Variant of Uncertain Significance. Algorithms developed to predict the effect of missense changes on protein structure and function are either unavailable or do not agree on the potential impact of this missense change (SIFT: "Tolerated"; PolyPhen-2: "Probably Damaging"; Align-GVGD: "Class C0"). This variant has not been reported in the literature in individuals affected with CD164-related conditions. This variant is not present in population databases (ExAC no frequency). This sequence change replaces proline with leucine at codon 38 of the CD164 protein (p.Pro38Leu). The proline residue is weakly conserved and there is a moderate physicochemical difference between proline and leucine.

Blueprint Genetics
Classification: Uncertain significance. Last evaluated: 2020-12-17. Review status: criteria provided, single submitter. Criteria: ACMG Guidelines, 2015. Collection method: clinical testing. Allele origin: germline.